The following is an entry in ClinVar:

ClinVar aggregate classification (germline): Uncertain significance (1 of 4 stars; one submission).

Allele frequency attached by ClinVar (database versions not stated): TOPMed below 0.00001; gnomAD 0.00001.
gnomAD v4.1: 1 of 1,613,824 alleles (0.000062%); highest among the groups gnomAD compares: Non-Finnish European, 0.000085%; no homozygotes.

Submission:

Labcorp Genetics (formerly Invitae), Labcorp
Classification: Uncertain significance. Last evaluated: 2024-12-20. Review status: criteria provided, single submitter. Criteria: Invitae Variant Classification Sherloc (09022015). Collection method: clinical testing. Allele origin: germline.
Comment: This sequence change replaces aspartic acid, which is acidic and polar, with glycine, which is neutral and non-polar, at codon 535 of the POLE protein (p.Asp535Gly). This variant is not present in population databases (gnomAD no frequency). This variant has not been reported in the literature in individuals affected with POLE-related conditions. ClinVar contains an entry for this variant (Variation ID: 1025405). Invitae Evidence Modeling of protein sequence and biophysical properties (such as structural, functional, and spatial information, amino acid conservation, physicochemical variation, residue mobility, and thermodynamic stability) indicates that this missense variant is not expected to disrupt POLE protein function with a negative predictive value of 80%. In summary, the available evidence is currently insufficient to determine the role of this variant in disease. Therefore, it has been classified as a Variant of Uncertain Significance.

NM_006231.4(POLE):c.1604A>G (p.Asp535Gly)

Gene: POLE (DNA polymerase epsilon, catalytic subunit; minus strand). Cytogenetic location: 12q24.33.
Variant type: single nucleotide variant.
Coding change: c.1604A>G on transcript NM_006231.4 (MANE Select); coding-DNA position 1604, A replaced by G.
Protein change: p.Asp535Gly; replaces aspartic acid 535 with glycine.
Molecular consequence: missense variant.
Genome position (GRCh38, 1-based): chr12:132,672,709, T>C on the plus strand (A>G on the coding strand, the complement: POLE is on the minus strand). VCF-style: chr12-132672709-T-C. GRCh37 (hg19) VCF-style: chr12-133249295-T-C.
Other names: short protein forms D535G.
Identifiers: ClinVar variation 1025405 (VCV001025405.8), dbSNP rs2042958290, ClinGen allele CA387356825.